The following is an entry in ClinVar:

ClinVar aggregate classification (germline): Pathogenic (1 of 4 stars; one submission).

Conditions:
Cystic fibrosis (CF). Also called: MUCOVISCIDOSIS. Identifiers: Orphanet 586, MedGen C0010674, MONDO:0009061, OMIM 219700. Disease mechanism: loss of function.

Submission:

Women's Health and Genetics/Laboratory Corporation of America, LabCorp
Classification: Pathogenic for Cystic fibrosis. Last evaluated: 2023-11-13. Review status: criteria provided, single submitter. Criteria: LabCorp Variant Classification Summary - May 2015. Collection method: clinical testing. Allele origin: germline.
Comment: Variant summary: CFTR c.2486T>A (p.Leu829X) results in a premature termination codon, predicted to cause a truncation of the encoded protein or absence of the protein due to nonsense mediated decay, which are commonly known mechanisms for disease. The variant was absent in 193292 control chromosomes. To our knowledge, no occurrence of c.2486T>A in individuals affected with Cystic Fibrosis and no experimental evidence demonstrating its impact on protein function have been reported. No submitters have cited clinical-significance assessments for this variant to ClinVar after 2014. Based on the evidence outlined above, the variant was classified as pathogenic.

NM_000492.4(CFTR):c.2486T>A (p.Leu829Ter)

Gene: CFTR (CF transmembrane conductance regulator; plus strand). Cytogenetic location: 7q31.2.
Variant type: single nucleotide variant.
Coding change: c.2486T>A on transcript NM_000492.4 (MANE Select); coding-DNA position 2486, T replaced by A.
Protein change: p.Leu829Ter; replaces leucine 829 with a stop codon.
Molecular consequence: nonsense.
Genome position (GRCh38, 1-based): chr7:117,592,653, T>A. VCF-style: chr7-117592653-T-A. GRCh37 (hg19) VCF-style: chr7-117232707-T-A.
Other names: short protein forms L829*.
Identifiers: ClinVar variation 2682476 (VCV002682476.1), dbSNP rs2485110958, ClinGen allele CA368981698.